The following is an entry in ClinVar:

NM_005591.4(MRE11):c.390C>G (p.Asp130Glu)

Gene: MRE11 (MRE11 double strand break repair nuclease; minus strand). Cytogenetic location: 11q21.
Variant type: single nucleotide variant.
Coding change: c.390C>G on transcript NM_005591.4 (MANE Select); coding-DNA position 390, C replaced by G.
Protein change: p.Asp130Glu; replaces aspartic acid 130 with glutamic acid.
Molecular consequence: missense variant.
Genome position (GRCh38, 1-based): chr11:94,479,686, G>C on the plus strand (C>G on the coding strand, the complement: MRE11 is on the minus strand). VCF-style: chr11-94479686-G-C. GRCh37 (hg19) VCF-style: chr11-94212852-G-C.
Other names: c.390C>G, p.Asp130Glu (NM_001330347.2, NM_005590.4); short protein forms D130E.
Identifiers: ClinVar variation 2565914 (VCV002565914.2), dbSNP rs770469403, ClinGen allele CA382378279.

ClinVar aggregate classification (germline): Uncertain significance (1 of 4 stars; one submission).

Conditions:
Hereditary cancer-predisposing syndrome. Also called: Neoplastic Syndromes, Hereditary; Hereditary Cancer Syndrome; Hereditary neoplastic syndrome; Tumor predisposition. Identifiers: Orphanet 140162, MedGen C0027672, MeSH D009386, MONDO:0015356.

Submission:

Ambry Genetics
Classification: Uncertain significance for Hereditary cancer-predisposing syndrome. Last evaluated: 2023-05-28. Review status: criteria provided, single submitter. Criteria: Ambry Variant Classification Scheme 2023. Collection method: clinical testing. Allele origin: germline.
Comment: The p.D130E variant (also known as c.390C>G), located in coding exon 4 of the MRE11A gene, results from a C to G substitution at nucleotide position 390. The aspartic acid at codon 130 is replaced by glutamic acid, an amino acid with highly similar properties. This amino acid position is conserved. In addition, this alteration is predicted to be deleterious by in silico analysis. Since supporting evidence is limited at this time, the clinical significance of this alteration remains unclear.